The following is an entry in ClinVar:

NM_000937.5(POLR2A):c.3950AGA[2] (p.Lys1319del)

Genes: POLR2A (RNA polymerase II subunit A; plus strand), LOC126862482 (CDK7 strongly-dependent group 2 enhancer GRCh37_chr17:7414586-7415785; plus strand). Cytogenetic location: 17p13.1.
Variant type: Microsatellite.
Coding change: c.3950AGA[2] on transcript NM_000937.5 (MANE Select); two copies in a row of the 3-base unit AGA starting at c.3950; the reference has three copies in a row; one copy, 3 bases deleted.
Protein change: p.Lys1319del; deletes lysine 1319.
Molecular consequence: inframe deletion.
Genome position (GRCh38, 1-based): chr17:7,511,443-7,511,445, AGA deleted; deleting any 3 consecutive bases within chr17:7,511,436-7,511,445 gives the same sequence; the position shown is the placement nearest the transcript's 3' end. VCF-style (leftmost placement, unchanged base first): chr17-7511435-CAAG-C. GRCh37 (hg19) VCF-style: chr17-7414754-CAAG-C.
Other names: short protein forms K1319del.
Identifiers: ClinVar variation 2231121 (VCV002231121.5), dbSNP rs894700976, ClinGen allele CA287428889.
Genomic context (GRCh38, chr17:7,511,435, plus strand): 5'-TGCCTACTCTGAGCACGCTGTCTTCCCACAGGTGTACATGCACTTGCCACAGACAGACAA[CAAG>C]AAGAAGATCATCATCACGGAGGATGGGGAATTCAAGGCCCTGCAGGAGTGGATCCTGGAG-3'

ClinVar aggregate classification (germline): Conflicting classifications of pathogenicity. Review status: criteria provided, conflicting classifications (1 of 4 stars). 3 submissions from 3 submitters: Likely pathogenic (1); Uncertain significance (2). Last evaluated 2026-04-01.

Conditions:
Inborn genetic diseases. Identifiers: MedGen C0950123, MeSH D030342.
POLR2A-related disorder. Also called: POLR2A-related condition.

Submissions (3):

CeGaT Center for Human Genetics Tuebingen
Classification: Uncertain significance. Last evaluated: 2026-04-01. Review status: criteria provided, single submitter. Criteria: CeGaT Center For Human Genetics Tuebingen Variant Classification Criteria Version 2. Collection method: clinical testing. Allele origin: germline. Affected: yes. Observed: 1 variant allele.
Comment: POLR2A: PM2, PS2:Moderate, PM4:Supporting

PreventionGenetics, part of Exact Sciences
Classification: Likely pathogenic for POLR2A-related condition. Last evaluated: 2023-10-04. Review status: criteria provided, single submitter. Criteria: ACMG Guidelines, 2015. Collection method: clinical testing. Allele origin: germline.
Comment: The POLR2A c.3956_3958delAGA variant is predicted to result in an in-frame deletion (p.Lys1319del). To our knowledge, this variant has not been reported in the literature. This variant is reported in 0.0065% of alleles in individuals of European (Non-Finnish) descent in gnomAD. Of note, ultra-rare in-frame deletions in this gene have been reported in individuals with POLR2A-related clinical features shared by this patient (see for example at Haijes et al. 2019. PubMed ID: 31353023; Hansen et al. 2021. PubMed ID: 33665635). This variant is interpreted as likely pathogenic.

Ambry Genetics
Classification: Uncertain significance for Inborn genetic diseases. Last evaluated: 2021-06-06. Review status: criteria provided, single submitter. Criteria: Ambry Variant Classification Scheme 2023. Collection method: clinical testing. Allele origin: germline.
Comment: The c.3956_3958delAGA (p.K1319del) alteration is located in exon 24 (coding exon 24) of the POLR2A gene. This alteration consists of an in-frame deletion of 3 nucleotides between nucleotide positions c.3956 and c.3958, resulting in the deletion of 1 residue. Based on insufficient or conflicting evidence, the clinical significance of this alteration remains unclear.